The following is an entry in ClinVar:

NM_001258392.3(CLPB):c.1768C>T (p.Arg590Cys)

Gene: CLPB (ClpB family mitochondrial disaggregase; minus strand). Cytogenetic location: 11q13.4.
Variant type: single nucleotide variant.
Coding change: c.1768C>T on transcript NM_001258392.3 (MANE Select); coding-DNA position 1768, C replaced by T.
Protein change: p.Arg590Cys; replaces arginine 590 with cysteine.
Molecular consequence: missense variant.
Genome position (GRCh38, 1-based): chr11:72,294,039, G>A on the plus strand (C>T on the coding strand, the complement: CLPB is on the minus strand). VCF-style: chr11-72294039-G-A. GRCh37 (hg19) VCF-style: chr11-72005083-G-A.
Other names: c.1858C>T (NM_030813.5); c.1681C>T, p.Arg561Cys (NM_001258393.3); c.1723C>T, p.Arg575Cys (NM_001258394.3); c.1858C>T, p.Arg620Cys (NM_030813.6); short protein forms R620C, R561C, R575C, R590C.
Identifiers: ClinVar variation 1676586 (VCV001676586.5), dbSNP rs2135484821, ClinGen allele CA381725360.

ClinVar aggregate classification (germline): Conflicting classifications of pathogenicity. Review status: criteria provided, conflicting classifications (1 of 4 stars). 3 submissions from 3 submitters: Pathogenic (1); Uncertain significance (1). 1 of the submissions does not count toward it. Last evaluated 2026-03-20.

Conditions:
Neutropenia, severe congenital, 9, autosomal dominant. Identifiers: MedGen C5676954, MONDO:0030726, OMIM 619813.
3-methylglutaconic aciduria, type VIIB (MGCA7B). Also called: 3-methylglutaconic aciduria with cataracts, neurologic involvement and neutropenia; 3-methylglutaconic aciduria, type VII, with cataracts, neurologic involvement and neutropenia; CLPB Deficiency. Identifiers: Orphanet 445038, MedGen C5676893, MONDO:0014561, OMIM 616271.

Submissions (3):

GeneDx
Classification: Pathogenic. Last evaluated: 2026-03-20. Review status: criteria provided, single submitter. Criteria: GeneDx Variant Classification Process June 2021. Collection method: clinical testing. Allele origin: germline.
Comment: Published functional studies demonstrate a damaging effect by disrupting granulocyte differentiation, ATPase activity, and mitochondrial function (PMID: 34115842); Not observed at significant frequency in large population cohorts (gnomAD); In silico analysis supports that this missense variant has a deleterious effect on protein structure/function; This variant is associated with the following publications: (PMID: 34115842)

Labcorp Genetics (formerly Invitae), Labcorp
Classification: Uncertain significance for 3-methylglutaconic aciduria, type VIIB. Last evaluated: 2025-03-24. Review status: criteria provided, single submitter. Criteria: Invitae Variant Classification Sherloc (09022015). Collection method: clinical testing. Allele origin: germline.
Comment: This sequence change replaces arginine, which is basic and polar, with cysteine, which is neutral and slightly polar, at codon 620 of the CLPB protein (p.Arg620Cys). This variant is not present in population databases (gnomAD no frequency). This missense change has been observed in individual(s) with clinical features of neutropenia and neurodevelopmental syndrome (PMID: 34115842). ClinVar contains an entry for this variant (Variation ID: 1676586). An algorithm developed to predict the effect of missense changes on protein structure and function (PolyPhen-2) suggests that this variant is likely to be disruptive. Experimental studies have shown that this missense change affects CLPB function (PMID: 34115842). In summary, the available evidence is currently insufficient to determine the role of this variant in disease. Therefore, it has been classified as a Variant of Uncertain Significance.

OMIM
Classification: Pathogenic for NEUTROPENIA, SEVERE CONGENITAL, 9, AUTOSOMAL DOMINANT. Last evaluated: 2022-04-11. Review status: no assertion criteria provided. Collection method: literature only. Allele origin: germline. Not counted in ClinVar's aggregate classification.

Literature cited by the submitters: PubMed 34115842 (cited by Labcorp Genetics (formerly Invitae), Labcorp and OMIM).